The following is an entry in ClinVar:

ClinVar aggregate classification (germline): Uncertain significance (1 of 4 stars; one submission).

Submission:

Labcorp Genetics (formerly Invitae), Labcorp
Classification: Uncertain significance. Last evaluated: 2024-02-06. Review status: criteria provided, single submitter. Criteria: Invitae Variant Classification Sherloc (09022015). Collection method: clinical testing. Allele origin: germline.
Comment: This variant, c.1024_1032del, results in the deletion of 3 amino acid(s) of the WFS1 protein (p.Ala342_Phe344del), but otherwise preserves the integrity of the reading frame. This variant is not present in population databases (gnomAD no frequency). This variant has not been reported in the literature in individuals affected with WFS1-related conditions. ClinVar contains an entry for this variant (Variation ID: 2020747). Experimental studies and prediction algorithms are not available or were not evaluated, and the functional significance of this variant is currently unknown. In summary, the available evidence is currently insufficient to determine the role of this variant in disease. Therefore, it has been classified as a Variant of Uncertain Significance.

NM_006005.3(WFS1):c.1024_1032del (p.Ala342_Phe344del)

Gene: WFS1 (wolframin ER transmembrane glycoprotein; plus strand). Cytogenetic location: 4p16.1.
Variant type: Deletion.
Coding change: c.1024_1032del on transcript NM_006005.3 (MANE Select); coding-DNA positions 1024 to 1032, 9 bases deleted (GCCTTCTTC; older notation c.1024_1032delGCCTTCTTC).
Protein change: p.Ala342_Phe344del.
Molecular consequence: inframe deletion.
Genome position (GRCh38, 1-based): chr4:6,300,819-6,300,827, GCCTTCTTC deleted; deleting any 9 consecutive bases within chr4:6,300,812-6,300,827 gives the same sequence; the c. name uses the placement nearest the transcript's 3' end. VCF-style (leftmost placement, unchanged base first): chr4-6300811-ACTTCTTCGC-A. GRCh37 (hg19) VCF-style: chr4-6302538-ACTTCTTCGC-A.
Other names: c.1024_1032del, p.Ala342_Phe344del (NM_001145853.1).
Identifiers: ClinVar variation 2020747 (VCV002020747.4), dbSNP rs931042621, ClinGen allele CA2578035747.
Genomic context (GRCh38, chr4:6,300,811, plus strand): 5'-TCCCCACGCACCACATCAACGCGCTCATCTTCTTCTTCATCGTCAGCAACCTCACCATCG[ACTTCTTCGC>A]CTTCTTCATCCCGCTGGTCATCTTCTACCTGTCCTTCATCTCCATGGTGATCTGCACCCT-3'